The following is an entry in ClinVar:

ClinVar aggregate classification (germline): Conflicting classifications of pathogenicity. Review status: criteria provided, conflicting classifications (1 of 4 stars). 3 submissions from 3 submitters: Likely pathogenic (2); Uncertain significance (1). Last evaluated 2026-03-13.

Conditions:
ALDH7A1-related disorder. Also called: ALDH7A1-related condition.

gnomAD v4.1: 4 of 1,614,112 alleles (0.00025%); highest among the groups gnomAD compares: Non-Finnish European, 0.00034%; no homozygotes.

Submissions (3):

PreventionGenetics, part of Exact Sciences
Classification: Likely pathogenic for ALDH7A1-related condition. Last evaluated: 2026-03-13. Review status: criteria provided, single submitter. Criteria: ACMG Guidelines, 2015. Collection method: clinical testing. Allele origin: germline.
Comment: The ALDH7A1 c.826A>C variant is predicted to result in the amino acid substitution p.Thr276Pro. This variant has been reported in the compound heterozygous state in at least one individual with ALDH7A1-related early-onset, vitamin B6-dependent epilepsy (Table S2, Coughlin et al. 2019. PubMed ID: 30043187; Lindy et al. 2018. PubMed ID: 29655203). This variant has not been reported in a large population database (gnomAD), indicating it is rare. This variant is interpreted as likely pathogenic.

GeneDx
Classification: Likely pathogenic. Last evaluated: 2026-01-30. Review status: criteria provided, single submitter. Criteria: GeneDx Variant Classification Process June 2021. Collection method: clinical testing. Allele origin: germline. Affected: yes.
Comment: In silico analysis supports that this missense variant has a deleterious effect on protein structure/function; Not observed at significant frequency in large population cohorts (gnomAD); This variant is associated with the following publications: (PMID: 29655203, 30043187)

Women's Health and Genetics/Laboratory Corporation of America, LabCorp
Classification: Uncertain significance. Last evaluated: 2023-01-24. Review status: criteria provided, single submitter. Criteria: LabCorp Variant Classification Summary - May 2015. Collection method: clinical testing. Allele origin: germline.
Comment: Variant summary: ALDH7A1 c.826A>C (p.Thr276Pro) results in a non-conservative amino acid change located in the Aldehyde dehydrogenase domain (IPR015590) of the encoded protein sequence. Five of five in-silico tools predict a damaging effect of the variant on protein function. The variant was absent in 251486 control chromosomes (gnomAD). The available data on variant occurrences in the general population are insufficient to allow any conclusion about variant significance. c.826A>C has been reported in the literature in at least one confirmed compound heterozygous individual affected with Pyridoxine-Dependent Epilepsy (Coughlin_2019). These data do not allow any conclusion about variant significance. To our knowledge, no experimental evidence demonstrating an impact on protein function has been reported. No clinical diagnostic laboratories have submitted clinical-significance assessments for this variant to ClinVar after 2014. Based on the evidence outlined above, the variant was classified as uncertain significance.

Literature cited by the submitters: PubMed 30043187 (cited by Women's Health and Genetics/Laboratory Corporation of America, LabCorp); PubMed 29655203 (cited by Women's Health and Genetics/Laboratory Corporation of America, LabCorp).

NM_001182.5(ALDH7A1):c.826A>C (p.Thr276Pro)

Gene: ALDH7A1 (aldehyde dehydrogenase 7 family member A1; minus strand). Cytogenetic location: 5q23.2.
Variant type: single nucleotide variant.
Coding change: c.826A>C on transcript NM_001182.5 (MANE Select); coding-DNA position 826, A replaced by C.
Protein change: p.Thr276Pro; replaces threonine 276 with proline.
Molecular consequence: missense variant.
Genome position (GRCh38, 1-based): chr5:126,568,304, T>G on the plus strand (A>C on the coding strand, the complement: ALDH7A1 is on the minus strand). VCF-style: chr5-126568304-T-G. GRCh37 (hg19) VCF-style: chr5-125903996-T-G.
Other names: p.T276P:ACT>CCT; c.742A>C, p.Thr248Pro (NM_001201377.2); c.826A>C, p.Thr276Pro (NM_001202404.2); short protein forms T276P, T248P.
Identifiers: ClinVar variation 204838 (VCV000204838.7), dbSNP rs796052260, ClinGen allele CA313183.